The following is an entry in ClinVar:

ClinVar aggregate classification (germline): Uncertain significance (1 of 4 stars; one submission).

Submission:

Labcorp Genetics (formerly Invitae), Labcorp
Classification: Uncertain significance. Last evaluated: 2024-03-12. Review status: criteria provided, single submitter. Criteria: Invitae Variant Classification Sherloc (09022015). Collection method: clinical testing. Allele origin: germline.
Comment: This sequence change replaces methionine, which is neutral and non-polar, with arginine, which is basic and polar, at codon 275 of the GP6 protein (p.Met275Arg). This variant is not present in population databases (gnomAD no frequency). This variant has not been reported in the literature in individuals affected with GP6-related conditions. An algorithm developed to predict the effect of missense changes on protein structure and function (PolyPhen-2) suggests that this variant is likely to be tolerated. In summary, the available evidence is currently insufficient to determine the role of this variant in disease. Therefore, it has been classified as a Variant of Uncertain Significance.

NM_016363.5(GP6):c.820T>G (p.Cys274Gly)

Gene: GP6 (glycoprotein VI platelet; minus strand). Cytogenetic location: 19q13.42.
Variant type: single nucleotide variant.
Coding change: c.820T>G on transcript NM_016363.5 (MANE Select); coding-DNA position 820, T replaced by G.
Protein change: p.Cys274Gly; replaces cysteine 274 with glycine.
Molecular consequence: missense variant.
Genome position (GRCh38, 1-based): chr19:55,015,121, A>C on the plus strand (T>G on the coding strand, the complement: GP6 is on the minus strand). VCF-style: chr19-55015121-A-C. GRCh37 (hg19) VCF-style: chr19-55526489-A-C.
Other names: c.824T>G, p.Met275Arg (NM_001083899.2); c.766T>G, p.Cys256Gly (NM_001256017.2); short protein forms C256G, M275R, C274G.
Identifiers: ClinVar variation 2793275 (VCV002793275.3), dbSNP rs2514019789, ClinGen allele CA407478556.
Genomic context (GRCh38, chr19:55,015,121, plus strand): 5'-GGCTGTGCCAGTCCTCTGCCAGAAACCCCGCCAGGATTATTAGGATCACAGCCCCGAGGC[A>C]TATCCGGACCAGGTTGCCCTTGGTGTAGTACTGGCGGGCAGGACCTGGAGGAATGAGGAG-3'
Protein context (NP_057447.5, residues 264-284): YYTKGNLVRI[Cys274Gly]LGAVILIILA